The following is an entry in ClinVar:

ClinVar aggregate classification (germline): Uncertain significance (1 of 4 stars; one submission).

Conditions:
Wilson disease (WND). Also called: Wilson's disease. Identifiers: Orphanet 905, MedGen C0019202, MONDO:0010200, OMIM 277900. Disease mechanism: loss of function.

gnomAD v4.1: 4 of 1,614,092 alleles (0.00025%); highest among the groups gnomAD compares: African/African-American, 0.004%; no homozygotes.

Submission:

Labcorp Genetics (formerly Invitae), Labcorp
Classification: Uncertain significance for Wilson disease. Last evaluated: 2022-07-20. Review status: criteria provided, single submitter. Criteria: Invitae Variant Classification Sherloc (09022015). Collection method: clinical testing. Allele origin: germline.
Comment: This sequence change replaces alanine, which is neutral and non-polar, with proline, which is neutral and non-polar, at codon 887 of the ATP7B protein (p.Ala887Pro). This variant is not present in population databases (gnomAD no frequency). This variant has not been reported in the literature in individuals affected with ATP7B-related conditions. Advanced modeling of protein sequence and biophysical properties (such as structural, functional, and spatial information, amino acid conservation, physicochemical variation, residue mobility, and thermodynamic stability) performed at Invitae indicates that this missense variant is expected to disrupt ATP7B protein function. In summary, the available evidence is currently insufficient to determine the role of this variant in disease. Therefore, it has been classified as a Variant of Uncertain Significance.

NM_000053.4(ATP7B):c.2659G>C (p.Ala887Pro)

Gene: ATP7B (ATPase copper transporting beta; minus strand). Cytogenetic location: 13q14.3.
Variant type: single nucleotide variant.
Coding change: c.2659G>C on transcript NM_000053.4 (MANE Select); coding-DNA position 2659, G replaced by C.
Protein change: p.Ala887Pro; replaces alanine 887 with proline.
Molecular consequence: missense variant.
Genome position (GRCh38, 1-based): chr13:51,950,078, C>G on the plus strand (G>C on the coding strand, the complement: ATP7B is on the minus strand). VCF-style: chr13-51950078-C-G. GRCh37 (hg19) VCF-style: chr13-52524214-C-G.
Other names: c.2173G>C, p.Ala725Pro (NM_001005918.3, NM_001406541.1, NM_001406542.1 and 1 more transcripts); c.2326G>C, p.Ala776Pro (NM_001243182.2); c.2425G>C, p.Ala809Pro (NM_001330578.2, NM_001406534.1, NM_001406538.1 and 2 more transcripts); c.2407G>C, p.Ala803Pro (NM_001330579.2, NM_001406540.1, NM_001406531.1 and 1 more transcripts); c.2659G>C, p.Ala887Pro (NM_001406511.1, NM_001406512.1, NM_001406513.1 and 7 more transcripts); c.2626G>C, p.Ala876Pro (NM_001406514.1); c.2563G>C, p.Ala855Pro (NM_001406517.1, NM_001406518.1); c.2515G>C, p.Ala839Pro (NM_001406520.1, NM_001406521.1, NM_001406537.1 and 1 more transcripts); and 8 more; short protein forms A725P, A803P, A744P, A771P, A776P, A887P, A809P, A839P.
Identifiers: ClinVar variation 2152641 (VCV002152641.1), dbSNP rs768479687, ClinGen allele CA388034478.